The following is an entry in ClinVar:

NM_022437.3(ABCG8):c.1754C>T (p.Thr585Ile)

Gene: ABCG8 (ATP binding cassette subfamily G member 8; plus strand). Cytogenetic location: 2p21.
Variant type: single nucleotide variant.
Coding change: c.1754C>T on transcript NM_022437.3 (MANE Select); coding-DNA position 1754, C replaced by T.
Protein change: p.Thr585Ile; replaces threonine 585 with isoleucine.
Molecular consequence: missense variant.
Genome position (GRCh38, 1-based): chr2:43,875,411, C>T. VCF-style: chr2-43875411-C-T. GRCh37 (hg19) VCF-style: chr2-44102550-C-T.
Other names: c.1751C>T, p.Thr584Ile (NM_001357321.2); short protein forms T585I, T584I.
Identifiers: ClinVar variation 499073 (VCV000499073.9), dbSNP rs1186922426, ClinGen allele CA346670734.
Genomic context (GRCh38, chr2:43,875,411, plus strand): 5'-CCCTCTACAACTCCTTCTACCTCGCCGGGGGCTTCATGATAAACTTGAGCAGCCTGTGGA[C>T]AGGTAAGGCCTGCCCCCGGGGCCTGGGCCAGCTTTGTTAGGACTCATGTGACTGGATGAA-3'
Protein context (NP_071882.1, residues 575-595): GFMINLSSLW[Thr585Ile]VPAWISKVSF

ClinVar aggregate classification (germline): Uncertain significance. Review status: criteria provided, multiple submitters, no conflicts (2 of 4 stars). 4 submissions from 4 submitters: Uncertain significance (4). Last evaluated 2026-01-03.

Conditions:
ABCG8-related disorder. Also called: ABCG8-related condition.
Sitosterolemia 1. Identifiers: MedGen C2749759, MONDO:0020747, OMIM 210250.
Cardiovascular phenotype. Identifiers: MedGen CN230736.

Allele frequency attached by ClinVar (database versions not stated): gnomAD exomes below 0.00001 and 0.00001; gnomAD 0.00003; TOPMed 0.00003.
gnomAD v4.1: 16 of 1,612,568 alleles (0.00099%); highest among the groups gnomAD compares: African/African-American, 0.012%; 1 homozygote.

Submissions (4):

PreventionGenetics, part of Exact Sciences
Classification: Uncertain significance for ABCG8-related condition. Last evaluated: 2026-01-03. Review status: criteria provided, single submitter. Criteria: ACMG Guidelines, 2015. Collection method: clinical testing. Allele origin: germline.
Comment: The ABCG8 c.1754C>T variant is predicted to result in the amino acid substitution p.Thr585Ile. To our knowledge, this variant has not been reported in the literature. This variant is reported in 0.012% of alleles in individuals of African descent in gnomAD. At this time, the clinical significance of this variant is uncertain due to the absence of conclusive functional and genetic evidence.

Revvity Omics, Revvity
Classification: Uncertain significance for Sitosterolemia 1. Last evaluated: 2024-04-09. Review status: criteria provided, single submitter. Criteria: ACMG Guidelines, 2015. Collection method: clinical testing. Allele origin: germline.

Ambry Genetics
Classification: Uncertain significance for Cardiovascular phenotype. Last evaluated: 2022-01-26. Review status: criteria provided, single submitter. Criteria: Ambry Variant Classification Scheme 2023. Collection method: clinical testing. Allele origin: germline.
Comment: The p.T585I variant (also known as c.1754C>T), located in coding exon 11 of the ABCG8 gene, results from a C to T substitution at nucleotide position 1754. The threonine at codon 585 is replaced by isoleucine, an amino acid with similar properties. This amino acid position is conserved. In addition, this alteration is predicted to be tolerated by in silico analysis. Since supporting evidence is limited at this time, the clinical significance of this alteration remains unclear.

Eurofins Ntd Llc (ga)
Classification: Uncertain significance. Last evaluated: 2016-12-05. Review status: criteria provided, single submitter. Criteria: EGL Classification Definitions 2015. Collection method: clinical testing. Allele origin: germline. Observed: 1 variant allele, 1 heterozygote.